The following is an entry in ClinVar:

ClinVar aggregate classification (germline): Uncertain significance (1 of 4 stars; one submission).

Conditions:
Long QT syndrome (LQTS). Identifiers: MedGen C0023976, MeSH D008133, MONDO:0002442. Disease mechanism: loss of function. Inheritance: Various modes of inheritance.

Allele frequency attached by ClinVar (database versions not stated): TOPMed below 0.00001.

Submission:

Labcorp Genetics (formerly Invitae), Labcorp
Classification: Uncertain significance for Long QT syndrome. Last evaluated: 2022-09-07. Review status: criteria provided, single submitter. Criteria: Invitae Variant Classification Sherloc (09022015). Collection method: clinical testing. Allele origin: germline.
Comment: ClinVar contains an entry for this variant (Variation ID: 1525803). In summary, the available evidence is currently insufficient to determine the role of this variant in disease. Therefore, it has been classified as a Variant of Uncertain Significance. Algorithms developed to predict the effect of sequence changes on RNA splicing suggest that this variant may create or strengthen a splice site. Algorithms developed to predict the effect of missense changes on protein structure and function output the following: SIFT: "Tolerated"; PolyPhen-2: "Benign"; Align-GVGD: "Class C0". The glycine amino acid residue is found in multiple mammalian species, which suggests that this missense change does not adversely affect protein function. This variant has not been reported in the literature in individuals affected with AKAP9-related conditions. This variant is not present in population databases (gnomAD no frequency). This sequence change replaces aspartic acid, which is acidic and polar, with glycine, which is neutral and non-polar, at codon 1286 of the AKAP9 protein (p.Asp1286Gly).

NM_005751.5(AKAP9):c.3857A>G (p.Asp1286Gly)

Gene: AKAP9 (A-kinase anchoring protein 9; plus strand). Cytogenetic location: 7q21.2.
Variant type: single nucleotide variant.
Coding change: c.3857A>G on transcript NM_005751.5 (MANE Select); coding-DNA position 3857, A replaced by G.
Protein change: p.Asp1286Gly; replaces aspartic acid 1286 with glycine.
Molecular consequence: missense variant.
Genome position (GRCh38, 1-based): chr7:92,022,257, A>G. VCF-style: chr7-92022257-A-G. GRCh37 (hg19) VCF-style: chr7-91651571-A-G.
Other names: c.3857A>G, p.Asp1286Gly (NM_147185.3); short protein forms D1286G.
Identifiers: ClinVar variation 1525803 (VCV001525803.8), dbSNP rs1802428673, ClinGen allele CA368127410.